The following is an entry in ClinVar:

NM_005236.3(ERCC4):c.1283C>T (p.Ala428Val)

Gene: ERCC4 (ERCC excision repair 4, endonuclease catalytic subunit; plus strand). Cytogenetic location: 16p13.12.
Variant type: single nucleotide variant.
Coding change: c.1283C>T on transcript NM_005236.3 (MANE Select); coding-DNA position 1283, C replaced by T.
Protein change: p.Ala428Val; replaces alanine 428 with valine.
Molecular consequence: missense variant.
Genome position (GRCh38, 1-based): chr16:13,935,215, C>T. VCF-style: chr16-13935215-C-T. GRCh37 (hg19) VCF-style: chr16-14029072-C-T.
Other names: short protein forms A428V.
Identifiers: ClinVar variation 2675071 (VCV002675071.3), dbSNP rs763619616, ClinGen allele CA7910433.

ClinVar aggregate classification (germline): Uncertain significance. Review status: criteria provided, multiple submitters, no conflicts (2 of 4 stars). 2 submissions from 2 submitters: Uncertain significance (2). Last evaluated 2023-10-23.

Conditions:
Fanconi anemia complementation group Q. Identifiers: Orphanet 84, MedGen C3808988, MONDO:0014108, OMIM 615272.
Xeroderma pigmentosum, group F (XPF). Also called: XERODERMA PIGMENTOSUM, COMPLEMENTATION GROUP F; XERODERMA PIGMENTOSUM VI; XP, GROUP F; ERCC4-Related Xeroderma Pigmentosum; XERODERMA PIGMENTOSUM, TYPE F; Xeroderma pigmentosum, type 6. Identifiers: MedGen C0268140, MONDO:0010215, OMIM 278760.
Cockayne syndrome. Identifiers: Orphanet 191, MedGen C0009207, MONDO:0016006.

gnomAD v4.1: 9 of 1,613,786 alleles (0.00056%); highest among the groups gnomAD compares: Middle Eastern, 0.033%; no homozygotes.

Submissions (2):

Labcorp Genetics (formerly Invitae), Labcorp
Classification: Uncertain significance for Fanconi anemia complementation group Q; Xeroderma pigmentosum, group F; Cockayne syndrome. Last evaluated: 2023-10-23. Review status: criteria provided, single submitter. Criteria: Invitae Variant Classification Sherloc (09022015). Collection method: clinical testing. Allele origin: germline.
Comment: This sequence change replaces alanine, which is neutral and non-polar, with valine, which is neutral and non-polar, at codon 428 of the ERCC4 protein (p.Ala428Val). This variant is present in population databases (rs763619616, gnomAD 0.01%). This variant has not been reported in the literature in individuals affected with ERCC4-related conditions. Algorithms developed to predict the effect of missense changes on protein structure and function output the following: SIFT: "Not Available"; PolyPhen-2: "Possibly Damaging"; Align-GVGD: "Not Available". The valine amino acid residue is found in multiple mammalian species, which suggests that this missense change does not adversely affect protein function. In summary, the available evidence is currently insufficient to determine the role of this variant in disease. Therefore, it has been classified as a Variant of Uncertain Significance.

Baylor Genetics
Classification: Uncertain significance for Fanconi anemia complementation group Q. Last evaluated: 2023-05-11. Review status: criteria provided, single submitter. Criteria: ACMG Guidelines, 2015. Collection method: clinical testing. Allele origin: unknown.